The following is an entry in ClinVar:

ClinVar aggregate classification (germline): Uncertain significance (1 of 4 stars; one submission).

Conditions:
Neurofibromatosis, type 2 (SWNV). Also called: SCHWANNOMATOSIS, VESTIBULAR; NF2-Related Schwannomatosis; BILATERAL ACOUSTIC NEUROFIBROMATOSIS. Identifiers: Orphanet 637, MedGen C0027832, MONDO:0007039, OMIM 101000. Disease mechanism: loss of function.

Submission:

Labcorp Genetics (formerly Invitae), Labcorp
Classification: Uncertain significance for Neurofibromatosis, type 2. Last evaluated: 2024-04-22. Review status: criteria provided, single submitter. Criteria: Invitae Variant Classification Sherloc (09022015). Collection method: clinical testing. Allele origin: germline.
Comment: This sequence change replaces alanine, which is neutral and non-polar, with threonine, which is neutral and polar, at codon 476 of the NF2 protein (p.Ala476Thr). This variant is not present in population databases (gnomAD no frequency). This variant has not been reported in the literature in individuals affected with NF2-related conditions. ClinVar contains an entry for this variant (Variation ID: 1719798). Advanced modeling of protein sequence and biophysical properties (such as structural, functional, and spatial information, amino acid conservation, physicochemical variation, residue mobility, and thermodynamic stability) performed at Invitae indicates that this missense variant is not expected to disrupt NF2 protein function with a negative predictive value of 80%. In summary, the available evidence is currently insufficient to determine the role of this variant in disease. Therefore, it has been classified as a Variant of Uncertain Significance.

NM_000268.4(NF2):c.1426G>A (p.Ala476Thr)

Gene: NF2 (NF2, moesin-ezrin-radixin like (MERLIN) tumor suppressor; plus strand). Cytogenetic location: 22q12.2.
Variant type: single nucleotide variant.
Coding change: c.1426G>A on transcript NM_000268.4 (MANE Select); coding-DNA position 1426, G replaced by A.
Protein change: p.Ala476Thr; replaces alanine 476 with threonine.
Molecular consequence: missense variant. On other transcripts: non-coding transcript variant (1), intron variant (1).
Genome position (GRCh38, 1-based): chr22:29,674,921, G>A. VCF-style: chr22-29674921-G-A. GRCh37 (hg19) VCF-style: chr22-30070910-G-A.
Other names: c.1312G>A, p.Ala438Thr (NM_001407053.1, NM_001407056.1); c.1303G>A, p.Ala435Thr (NM_001407054.1, NM_001407058.1, NM_181829.3); c.1300G>A, p.Ala434Thr (NM_001407055.1, NM_181828.3); c.1291G>A, p.Ala431Thr (NM_001407057.1, NM_001407059.1); c.1426G>A, p.Ala476Thr (NM_001407060.1, NM_001407066.1, NM_016418.5 and 2 more transcripts); c.1168G>A, p.Ala390Thr (NM_001407062.1); c.1177G>A, p.Ala393Thr (NM_001407063.1, NM_001407064.1, NM_181830.3 and 1 more transcripts); c.892G>A, p.Ala298Thr (NM_001407065.1); and 2 more; short protein forms A298T, A390T, A393T, A399T, A431T, A434T, A435T, A438T.
Identifiers: ClinVar variation 1719798 (VCV001719798.6), dbSNP rs2147093603, ClinGen allele CA411149168.